The following is an entry in ClinVar:

ClinVar aggregate classification (germline): Conflicting classifications of pathogenicity. Review status: criteria provided, conflicting classifications (1 of 4 stars). 10 submissions from 10 submitters: Uncertain significance (8); Likely benign (2). Last evaluated 2026-07-01.

Conditions:
Glycogen storage disease, type II (IOPD). Also called: Acid maltase deficiency disease; Aglucosidase alfa; Deficiency of alpha-glucosidase; Deficiency of lysosomal alpha-glucosidase; POMPE DISEASE, INFANTILE-ONSET; GLYCOGEN STORAGE DISEASE II, INFANTILE-ONSET. Identifiers: Orphanet 365, MedGen C0017921, MONDO:0009290, OMIM 232300.

Allele frequency attached by ClinVar (database versions not stated): TOPMed 0.00018; ESP Exome Variant Server 0.00046.
gnomAD v4.1: 288 of 1,595,478 alleles (0.018%); highest among the groups gnomAD compares: Admixed American, 0.019%; 1 homozygote.

Submissions (10):

Genomenon, Inc
Classification: Uncertain significance for Glycogen storage disease, type II. Last evaluated: 2026-07-01. Review status: criteria provided, single submitter. Criteria: Genomenon Sequence Variant Interpretation Standards - Updated. Collection method: curation. Allele origin: germline. Affected: no.
Comment: GAA p.Ala719Ser (c.2155G>T) is a missense variant that changes the amino acid at codon 719 from Alanine to Serine. This variant has been reported in the published literature (PMID:30281819;33393119). It is absent or not present at a significant frequency in gnomAD. In silico models predict that this variant is not damaging. In conclusion, we classify GAA p.Ala719Ser (c.2155G>T) as a variant of uncertain significance.

Labcorp Genetics (formerly Invitae), Labcorp
Classification: Likely benign for Glycogen storage disease, type II. Last evaluated: 2026-01-29. Review status: criteria provided, single submitter. Criteria: Invitae Variant Classification Sherloc (09022015). Collection method: clinical testing. Allele origin: germline.

CeGaT Center for Human Genetics Tuebingen
Classification: Likely benign. Last evaluated: 2026-01-01. Review status: criteria provided, single submitter. Criteria: CeGaT Center For Human Genetics Tuebingen Variant Classification Criteria Version 2. Collection method: clinical testing. Allele origin: germline. Affected: yes. Observed: 7 variant alleles.
Comment: GAA: BP4, BS2

Revvity Omics, Revvity
Classification: Uncertain significance. Last evaluated: 2025-08-07. Review status: criteria provided, single submitter. Criteria: ACMG Guidelines, 2015. Collection method: clinical testing. Allele origin: germline.

Mayo Clinic Laboratories, Mayo Clinic
Classification: Uncertain significance. Last evaluated: 2025-02-24. Review status: criteria provided, single submitter. Criteria: ACMG Guidelines, 2015. Collection method: clinical testing. Allele origin: germline. Observed: 2 variant alleles.
Comment: BP4

GeneDx
Classification: Uncertain significance. Last evaluated: 2024-08-14. Review status: criteria provided, single submitter. Criteria: GeneDx Variant Classification Process June 2021. Collection method: clinical testing. Allele origin: germline. Affected: yes.
Comment: Identified as heterozygous in an individual with autophagic vacuolar myopathy who had reduced GAA enzyme activity and gene expression in muscle; no second variant in GAA was identified by sequencing or deletion/duplication analysis (PMID: 33393119); In silico analysis indicates that this missense variant does not alter protein structure/function; This variant is associated with the following publications: (PMID: 22253258, 19343043, 33393119)

Genome-Nilou Lab
Classification: Uncertain significance for Glycogen storage disease, type II. Last evaluated: 2021-07-22. Review status: criteria provided, single submitter. Criteria: ACMG Guidelines, 2015. Collection method: clinical testing. Allele origin: germline. Affected: no.

Women's Health and Genetics/Laboratory Corporation of America, LabCorp
Classification: Uncertain significance. Last evaluated: 2021-04-05. Review status: criteria provided, single submitter. Criteria: LabCorp Variant Classification Summary - May 2015. Collection method: clinical testing. Allele origin: germline.
Comment: Variant summary: GAA c.2155G>T (p.Ala719Ser) results in a conservative amino acid change in the encoded protein sequence. Five of five in-silico tools predict a benign effect of the variant on protein function. The variant allele was found at a frequency of 0.00026 in 218544 control chromosomes (gnomAD v2.1.1). Furthermore, the variant allele was found at a frequency of 0.0001906 in 152186 control chromosomes in the gnomAD v3.1.1 database, including 1 homozygote. These frequencies are not higher than expected for a pathogenic variant in GAA causing Glycogen Storage Disease, Type 2 (Pompe Disease), allowing no conclusion about variant significance. c.2155G>T has been reported in the literature as a single heterozygous occurrence (i.e. no other GAA variants identified) in an individual with a limb girdle-like muscular pattern with persistent hyperCKaemia who exhibited reduced GAA muscle activity. The authors concluded that no GAA pathogenic mutations were detected in their study while their data suggested that reduced GAA activity may occur in any condition of impaired autophagy (Napolitano_2021). This report does not provide unequivocal conclusions about association of the variant with Glycogen Storage Disease, Type 2 (Pompe Disease). Two ClinVar submitters (evaluation after 2014) cite the variant as uncertain significance and one ClinVar submitter (evaluation after 2014) cites it as likely benign. Based on the evidence outlined above, the variant was classified as uncertain significance.

Victorian Clinical Genetics Services, Murdoch Childrens Research Institute
Classification: Uncertain significance for Glycogen storage disease, type II. Last evaluated: 2020-07-02. Review status: criteria provided, single submitter. Criteria: ACMG Guidelines, 2015. Collection method: clinical testing. Allele origin: germline. Inheritance: Autosomal recessive inheritance.
Comment: Based on the classification scheme VCGS_Germline_v1.3.3, this variant is classified as VUS-3C. Following criteria are met: 0102 - Loss of function is a known mechanism of disease in this gene and is associated with [disease]. (I) 0106 - This gene is associated with autosomal recessive disease. (I) 0200 - Variant is predicted to result in a missense amino acid change from alanine to serine. (I) 0251 - This variant is heterozygous. (I) 0304 - Variant is present in gnomAD (v2.1.1) <0.01 for a recessive condition. 0.000244 (61 heterozygotes, 0 homozygotes). (SP) 0309 – Multiple alternative amino acid changes at the same position have been observed in gnomAD (v2.1.1) p.(Ala719Glu): 0.000149 (37 heterozygotes, 0 homozygotes). p.(Ala719Thr): 0.000244 (7 heterozygotes, 0 homozygotes). p.(Ala719Val): 0.000009 (2 heterozygotes, 0 homozygotes). (I) 0604 - Variant is not located in an established domain, motif, hotspot or informative constraint region. Conflicting evidence depending on source. It may be located within a catalytic domain, glycosyl hydrolase family 31 (DECIPHER, PMID: 30281819). (I) 0710 – Other missense variants comparable to the one identified in this case have inconclusive previous evidence for pathogenicity. p.(Ala719Glu): ClinVar: VUS x4. p.(Ala719Thr): ClinVar: VUS x2. p.(Ala719Val): ClinVar: VUS x1. At VCGS, p.(Ala719Glu) has also been previously observed once in our HCM patient cohort. (I) 0809 - Previous evidence of pathogenicity for this variant is inconclusive. ClinVar: Conflicting interpretations of pathogenicity: 2x VUS + 1x Likely benign (most recent). PMID: 30281819: computational analysis only by multiple in silico programs predicts this variant has a neutral effect on the protein. (I) 0905 - No published segregation evidence has been identified for this variant. (I) 1007 - No published functional evidence has been identified for this variant. (I) 1208 - Inheritance information for this variant is not currently available in this individual. (I) Legend: (SP) - Supporting Pathogenic, (I) – Information, (SB) – Supporting Benign

Eurofins Ntd Llc (ga)
Classification: Uncertain significance. Last evaluated: 2016-03-03. Review status: criteria provided, single submitter. Criteria: EGL Classification Definitions 2015. Collection method: clinical testing. Allele origin: germline. Observed: 2 variant alleles, 2 heterozygotes.

Literature cited by the submitters: PubMed 30281819 (cited by 3 submitters); PubMed 33393119 (cited by Genomenon, Inc and Women's Health and Genetics/Laboratory Corporation of America, LabCorp).

NM_000152.5(GAA):c.2155G>T (p.Ala719Ser)

Gene: GAA (alpha glucosidase; plus strand). Cytogenetic location: 17q25.3.
Variant type: single nucleotide variant.
Coding change: c.2155G>T on transcript NM_000152.5 (MANE Select); coding-DNA position 2155, G replaced by T.
Protein change: p.Ala719Ser; replaces alanine 719 with serine.
Molecular consequence: missense variant.
Genome position (GRCh38, 1-based): chr17:80,113,332, G>T. VCF-style: chr17-80113332-G-T. GRCh37 (hg19) VCF-style: chr17-78087131-G-T.
Other names: p.Ala719Ser; c.2155G>T (LRG_673t1); c.2155G>T, p.Ala719Ser (NM_001079803.3, NM_001079804.3); short protein forms A719S.
Identifiers: ClinVar variation 286435 (VCV000286435.60), dbSNP rs143324027, ClinGen allele CA8815628.